The following is an entry in ClinVar:

ClinVar aggregate classification (germline): Likely benign (1 of 4 stars; one submission).

Conditions:
PLXNA2-related disorder. Also called: PLXNA2-related condition.

gnomAD v4.1: 12 of 1,613,456 alleles (0.00074%); highest among the groups gnomAD compares: Non-Finnish European, 0.001%; no homozygotes.

Submission:

PreventionGenetics, part of Exact Sciences
Classification: Likely benign for PLXNA2-related condition. Last evaluated: 2025-04-10. Review status: criteria provided, single submitter. Criteria: ACMG Guidelines, 2015. Collection method: clinical testing. Allele origin: germline.
Comment: This variant is classified as likely benign based on ACMG/AMP sequence variant interpretation guidelines (Richards et al. 2015 PMID: 25741868, with internal and published modifications).

NM_025179.4(PLXNA2):c.2529C>T (p.Ser843=)

Gene: PLXNA2 (plexin A2; minus strand). Cytogenetic location: 1q32.2.
Variant type: single nucleotide variant.
Coding change: c.2529C>T on transcript NM_025179.4 (MANE Select); coding-DNA position 2529, C replaced by T.
Protein change: p.Ser843=; no amino-acid change (serine 843 retained).
Molecular consequence: synonymous variant.
Genome position (GRCh38, 1-based): chr1:208,079,317, G>A on the plus strand (C>T on the coding strand, the complement: PLXNA2 is on the minus strand). VCF-style: chr1-208079317-G-A. GRCh37 (hg19) VCF-style: chr1-208252662-G-A.
Identifiers: ClinVar variation 4997023 (VCV004997023.1).